The following is an entry in ClinVar:

NC_000005.10:g.112707419G>C

Gene: APC (APC regulator of Wnt signaling pathway; plus strand). Cytogenetic location: 5q22.2.
Variant type: single nucleotide variant.
Genome position: GRCh38 VCF-style: chr5-112707419-G-C. GRCh37 (hg19) VCF-style: chr5-112043116-G-C.
Identifiers: ClinVar variation 2037526 (VCV002037526.5), dbSNP rs2149628599, ClinGen allele CA2580072235.

ClinVar aggregate classification (germline): Uncertain significance (1 of 4 stars; one submission).

Conditions:
Familial adenomatous polyposis 1 (FAP1). Also called: POLYPOSIS, ADENOMATOUS INTESTINAL; FAMILIAL ADENOMATOUS POLYPOSIS 1, ATTENUATED. Identifiers: MedGen C2713442, MONDO:0021056, OMIM 175100. Disease mechanism: loss of function.

Submission:

Labcorp Genetics (formerly Invitae), Labcorp
Classification: Uncertain significance for Familial adenomatous polyposis 1. Last evaluated: 2023-05-16. Review status: criteria provided, single submitter. Criteria: Invitae Variant Classification Sherloc (09022015). Collection method: clinical testing. Allele origin: germline.
Comment: This variant occurs in a non-coding region of the APC gene. It does not change the encoded amino acid sequence of the APC protein. This variant is not present in population databases (gnomAD no frequency). This variant has not been reported in the literature in individuals affected with APC-related conditions. Experimental studies and prediction algorithms are not available or were not evaluated, and the functional significance of this variant is currently unknown. In summary, the available evidence is currently insufficient to determine the role of this variant in disease. Therefore, it has been classified as a Variant of Uncertain Significance.